The following is an entry in ClinVar:

ClinVar aggregate classification (germline): Uncertain significance (1 of 4 stars; one submission).

Conditions:
Familial intrahepatic cholestasis. Identifiers: Orphanet 284385, MedGen CN296401, MONDO:0017290.

Submission:

Genomenon, Inc
Classification: Uncertain significance for Familial intrahepatic cholestasis. Last evaluated: 2026-04-14. Review status: criteria provided, single submitter. Criteria: Genomenon Sequence Variant Interpretation Standards - Updated. Collection method: curation. Allele origin: germline. Affected: yes.
Comment: ABCB4 p.Ile157Phe (c.469A>T) is a missense variant that changes the amino acid at residue 157 from Isoleucine to Phenylalanine. This variant has been observed in at least one proband with an ABCB4-related disorder (PMID:38343606). It is absent or not present at a significant frequency in gnomAD. In silico models predict that this variant is possibly or probably damaging. In conclusion, we classify ABCB4 p.Ile157Phe (c.469A>T) as a variant of uncertain significance.

Literature cited by the submitters: PubMed 38343606.

NM_000443.4(ABCB4):c.469A>T (p.Ile157Phe)

Gene: ABCB4 (ATP binding cassette subfamily B member 4; minus strand). Cytogenetic location: 7q21.12.
Variant type: single nucleotide variant.
Coding change: c.469A>T on transcript NM_000443.4 (MANE Select); coding-DNA position 469, A replaced by T.
Protein change: p.Ile157Phe; replaces isoleucine 157 with phenylalanine.
Molecular consequence: missense variant.
Genome position (GRCh38, 1-based): chr7:87,453,011, T>A on the plus strand (A>T on the coding strand, the complement: ABCB4 is on the minus strand). VCF-style: chr7-87453011-T-A. GRCh37 (hg19) VCF-style: chr7-87082327-T-A.
Other names: c.469A>T, p.Ile157Phe (NM_018849.3, NM_018850.3); short protein forms I157F.
Identifiers: ClinVar variation 4846495 (VCV004846495.1).